The following is an entry in ClinVar:

NM_000392.5(ABCC2):c.4515G>A (p.Met1505Ile)

Gene: ABCC2 (ATP binding cassette subfamily C member 2; plus strand). Cytogenetic location: 10q24.2.
Variant type: single nucleotide variant.
Coding change: c.4515G>A on transcript NM_000392.5 (MANE Select); coding-DNA position 4515, G replaced by A.
Protein change: p.Met1505Ile; replaces methionine 1505 with isoleucine.
Molecular consequence: missense variant.
Genome position (GRCh38, 1-based): chr10:99,851,508, G>A. VCF-style: chr10-99851508-G-A. GRCh37 (hg19) VCF-style: chr10-101611265-G-A.
Other names: c.4515G>A (NM_000392.4); short protein forms M1505I.
Identifiers: ClinVar variation 4564038 (VCV004564038.2).

ClinVar aggregate classification (germline): Uncertain significance. Review status: criteria provided, multiple submitters, no conflicts (2 of 4 stars). 2 submissions from 2 submitters: Uncertain significance (2). Last evaluated 2025-11-07.

Conditions:
Inborn genetic diseases. Identifiers: MedGen C0950123, MeSH D030342.
ABCC2-related disorder. Also called: ABCC2-related condition.

Submissions (2):

PreventionGenetics, part of Exact Sciences
Classification: Uncertain significance for ABCC2-related condition. Last evaluated: 2025-11-07. Review status: criteria provided, single submitter. Criteria: ACMG Guidelines, 2015. Collection method: clinical testing. Allele origin: germline.
Comment: The ABCC2 c.4515G>A variant is predicted to result in the amino acid substitution p.Met1505Ile. To our knowledge, this variant has not been reported in the literature or in a large population database (gnomAD), indicating this variant is rare. At this time, the clinical significance of this variant is uncertain due to the absence of conclusive functional and genetic evidence.

Ambry Genetics
Classification: Uncertain significance for Inborn genetic diseases. Last evaluated: 2025-10-18. Review status: criteria provided, single submitter. Criteria: Ambry Variant Classification Scheme 2023. Collection method: clinical testing. Allele origin: germline.